The following is an entry in ClinVar:

NM_016058.5(TPRKB):c.-9_-7dup

Gene: TPRKB (TP53RK binding protein; minus strand). Cytogenetic location: 2p13.1.
Variant type: Duplication.
Coding change: c.-9_-7dup on transcript NM_016058.5 (MANE Select); 9 bases upstream of the start codon through 7 bases upstream of the start codon, 3 bases duplicated (ATC; older notation c.-9_-7dupATC).
Molecular consequence: 5 prime UTR variant.
Genome position (GRCh38, 1-based): chr2:73,734,576-73,734,578, GAT duplicated on the plus strand (ATC on the coding strand, the reverse complement: TPRKB is on the minus strand). VCF-style (leftmost placement, unchanged base first): chr2-73734575-A-AGAT. GRCh37 (hg19) VCF-style: chr2-73961702-A-AGAT.
Other names: c.-9_-7dup (NM_001330386.2, NM_001330387.2, NM_001330388.2 and 3 more transcripts); c.-184_-182dup (NM_001330390.2).
Identifiers: ClinVar variation 3049784 (VCV003049784.2), dbSNP rs539761379, ClinGen allele CA1716502.

ClinVar aggregate classification (germline): Likely benign (0 of 4 stars; one submission).

Conditions:
TPRKB-related disorder. Also called: TPRKB-related condition.

Allele frequency attached by ClinVar (database versions not stated): gnomAD exomes 0.00010; ExAC 0.00030; gnomAD 0.00062; ESP Exome Variant Server 0.00064; 1000 Genomes Project 0.00080; 1000 Genomes Project 30x 0.00094; TOPMed 0.00094.

Submission:

PreventionGenetics, part of Exact Sciences
Classification: Likely benign for TPRKB-related condition. Last evaluated: 2019-10-18. Review status: no assertion criteria provided. Collection method: clinical testing. Allele origin: germline.
Comment: This variant is classified as likely benign based on ACMG/AMP sequence variant interpretation guidelines (Richards et al. 2015 PMID: 25741868, with internal and published modifications).